The following is an entry in ClinVar:

ClinVar aggregate classification (germline): Conflicting classifications of pathogenicity. Review status: criteria provided, conflicting classifications (1 of 4 stars). 5 submissions from 5 submitters: Uncertain significance (2); Benign (2); Likely benign (1). Last evaluated 2026-04-24.

Conditions:
Hereditary cancer-predisposing syndrome. Also called: Hereditary Cancer Syndrome; Neoplastic Syndromes, Hereditary; Tumor predisposition; Hereditary neoplastic syndrome. Identifiers: Orphanet 140162, MedGen C0027672, MeSH D009386, MONDO:0015356.
Tuberous sclerosis syndrome (TSC). Also called: Tuberous Sclerosis Complex; Tuberous sclerosis. Identifiers: Orphanet 805, MedGen C0041341, MONDO:0001734.
Tuberous sclerosis 2 (TSC2). Identifiers: Orphanet 805, MedGen C1860707, MONDO:0013199, OMIM 613254.

Allele frequency attached by ClinVar (database versions not stated): gnomAD exomes below 0.00001; TOPMed 0.00001.
gnomAD v4.1: 2 of 1,596,776 alleles (0.00013%); highest among the groups gnomAD compares: Non-Finnish European, 0.000085%; no homozygotes.

Submissions (5):

Ambry Genetics
Classification: Likely benign for Hereditary cancer-predisposing syndrome. Last evaluated: 2026-04-24. Review status: criteria provided, single submitter. Criteria: Ambry Variant Classification Scheme 2023. Collection method: clinical testing. Allele origin: germline.

Labcorp Genetics (formerly Invitae), Labcorp
Classification: Benign for Tuberous sclerosis 2. Last evaluated: 2025-08-06. Review status: criteria provided, single submitter. Criteria: Invitae Variant Classification Sherloc (09022015). Collection method: clinical testing. Allele origin: germline.

Myriad Genetics, Inc.
Classification: Benign for Tuberous sclerosis 2. Last evaluated: 2025-05-12. Review status: criteria provided, single submitter. Criteria: Myriad Autosomal Dominant, Autosomal Recessive and X-Linked Classification Criteria (2023). Collection method: clinical testing. Allele origin: unknown.
Comment: This variant is considered benign. This variant is a silent/synonymous amino acid change and it is not expected to impact splicing.

All of Us Research Program, National Institutes of Health
Classification: Uncertain significance for Tuberous sclerosis syndrome. Last evaluated: 2023-12-13. Review status: criteria provided, single submitter. Criteria: ACMG Guidelines, 2015. Collection method: clinical testing. Allele origin: germline. Inheritance: Autosomal dominant inheritance. Observed: 3 variant alleles, 3 heterozygotes.
Comment: This synonymous variant causes a G>A nucleotide change in exon 10 of the TSC2 gene. Splice site prediction tools suggest that this variant may impact RNA splicing. To our knowledge, functional studies have not been reported for this variant. This variant has not been reported in individuals affected with TSC2-related disorders in the literature. This variant has not been identified in the general population by the Genome Aggregation Database (gnomAD). The available evidence is insufficient to determine the role of this variant in disease conclusively. Therefore, this variant is classified as a Variant of Uncertain Significance.

This study involves interpretation of variants in research participants for the purpose of population health screening. Participant phenotype was not available at the time of variant classification. Additional details can be found in publication PMID: 35346344, PMCID: PMC8962531

GeneDx
Classification: Uncertain significance. Last evaluated: 2023-11-13. Review status: criteria provided, single submitter. Criteria: GeneDx Variant Classification Process June 2021. Collection method: clinical testing. Allele origin: germline. Affected: yes.
Comment: Not observed at significant frequency in large population cohorts (gnomAD); In silico analysis supports a deleterious effect on splicing; Has not been previously published as pathogenic or benign to our knowledge

NM_000548.5(TSC2):c.897G>A (p.Val299=)

Gene: TSC2 (TSC complex subunit 2; plus strand). Cytogenetic location: 16p13.3.
Variant type: single nucleotide variant.
Coding change: c.897G>A on transcript NM_000548.5 (MANE Select); coding-DNA position 897, G replaced by A.
Protein change: p.Val299=; no amino-acid change (valine 299 retained).
Molecular consequence: synonymous variant.
Genome position (GRCh38, 1-based): chr16:2,058,795, G>A. VCF-style: chr16-2058795-G-A. GRCh37 (hg19) VCF-style: chr16-2108796-G-A.
Other names: c.897G>A, p.Val299= (NM_001077183.3, NM_001114382.3, NM_001363528.2 and 3 more transcripts); c.786G>A, p.Val262= (NM_001318827.2); c.750G>A, p.Val250= (NM_001318829.2); c.297G>A, p.Val99= (NM_001318831.2); c.930G>A, p.Val310= (NM_001318832.2).
Identifiers: ClinVar variation 945310 (VCV000945310.15), dbSNP rs1382139812, ClinGen allele CA492959654.
Genomic context (GRCh38, chr16:2,058,795, plus strand): 5'-GAACACTTTTAGAGCCTACATGGAGGACGCGCCCCTGCTGAGAGGAGCCGTGTTTTTTGT[G>A]GGCATGGCTCTCTGGGGAGCCCACCGGCTCTATTCTCTCAGGAACTCGCCGACATCTGTG-3'
Protein context (NP_000539.2, residues 289-309): APLLRGAVFF[Val299=]GMALWGAHRL